The following is an entry in ClinVar:

ClinVar aggregate classification (germline): Uncertain significance (1 of 4 stars; one submission).

Submission:

Labcorp Genetics (formerly Invitae), Labcorp
Classification: Uncertain significance. Last evaluated: 2024-10-30. Review status: criteria provided, single submitter. Criteria: Invitae Variant Classification Sherloc (09022015). Collection method: clinical testing. Allele origin: germline.
Comment: This sequence change replaces glycine, which is neutral and non-polar, with cysteine, which is neutral and slightly polar, at codon 197 of the FGFR3 protein (p.Gly197Cys). This variant is not present in population databases (gnomAD no frequency). This variant has not been reported in the literature in individuals affected with FGFR3-related conditions. Invitae Evidence Modeling of protein sequence and biophysical properties (such as structural, functional, and spatial information, amino acid conservation, physicochemical variation, residue mobility, and thermodynamic stability) has been performed for this missense variant. However, the output from this modeling did not meet the statistical confidence thresholds required to predict the impact of this variant on FGFR3 protein function. In summary, the available evidence is currently insufficient to determine the role of this variant in disease. Therefore, it has been classified as a Variant of Uncertain Significance.

NM_000142.5(FGFR3):c.589G>T (p.Gly197Cys)

Gene: FGFR3 (fibroblast growth factor receptor 3; plus strand). Cytogenetic location: 4p16.3.
Variant type: single nucleotide variant.
Coding change: c.589G>T on transcript NM_000142.5 (MANE Select); coding-DNA position 589, G replaced by T.
Protein change: p.Gly197Cys; replaces glycine 197 with cysteine.
Molecular consequence: missense variant. On other transcripts: non-coding transcript variant (1).
Genome position (GRCh38, 1-based): chr4:1,801,510, G>T. VCF-style: chr4-1801510-G-T. GRCh37 (hg19) VCF-style: chr4-1803237-G-T.
Other names: c.589G>T, p.Gly197Cys (NM_001163213.2, NM_001354809.2, NM_001354810.2 and 1 more transcripts); short protein forms G197C.
Identifiers: ClinVar variation 3636989 (VCV003636989.2).
Genomic context (GRCh38, chr4:1,801,510, plus strand): 5'-CCAGCCGCTGGCAACCCCACTCCCTCCATCTCCTGGCTGAAGAACGGCAGGGAGTTCCGC[G>T]GCGAGCACCGCATTGGAGGCATCAAGGTGGGCGCGGCGGGGTGGCTCTGGGCCTGGCAGG-3'
Protein context (NP_000133.1, residues 187-207): SWLKNGREFR[Gly197Cys]EHRIGGIKLR